The following is an entry in ClinVar:

ClinVar aggregate classification (germline): Uncertain significance. Review status: criteria provided, multiple submitters, no conflicts (2 of 4 stars). 5 submissions from 5 submitters: Uncertain significance (5). Last evaluated 2024-09-23.

Conditions:
Mitochondrial complex I deficiency, nuclear type 26. Also called: Mitochondrial complex 1 deficiency, nuclear type 26. Identifiers: MedGen C4748809, MONDO:0032630, OMIM 618247.

Allele frequency attached by ClinVar (database versions not stated): gnomAD 0.00003; gnomAD exomes 0.00003; ExAC 0.00005; TOPMed 0.00006.
gnomAD v4.1: 55 of 1,609,018 alleles (0.0034%); highest among the groups gnomAD compares: East Asian, 0.067%; no homozygotes.

Submissions (5):

Blueprint Genetics
Classification: Uncertain significance. Last evaluated: 2024-09-23. Review status: criteria provided, single submitter. Criteria: ACMG Guidelines, 2015. Collection method: clinical testing. Allele origin: germline.

Labcorp Genetics (formerly Invitae), Labcorp
Classification: Uncertain significance. Last evaluated: 2023-05-06. Review status: criteria provided, single submitter. Criteria: Invitae Variant Classification Sherloc (09022015). Collection method: clinical testing. Allele origin: germline.
Comment: ClinVar contains an entry for this variant (Variation ID: 1201565). This variant has not been reported in the literature in individuals affected with NDUFA9-related conditions. This variant is present in population databases (rs767462328, gnomAD 0.04%). This sequence change replaces arginine, which is basic and polar, with cysteine, which is neutral and slightly polar, at codon 75 of the NDUFA9 protein (p.Arg75Cys). An algorithm developed to predict the effect of missense changes on protein structure and function (PolyPhen-2) suggests that this variant is likely to be disruptive. In summary, the available evidence is currently insufficient to determine the role of this variant in disease. Therefore, it has been classified as a Variant of Uncertain Significance.

MGZ Medical Genetics Center
Classification: Uncertain significance for Mitochondrial complex I deficiency, nuclear type 26. Last evaluated: 2021-08-12. Review status: criteria provided, single submitter. Criteria: ACMG Guidelines, 2015. Collection method: clinical testing. Allele origin: germline. Affected: yes. Observed: 1 variant allele.
Comment: ACMG criteria applied: PM5, PM2_SUP, PM3_SUP, PP3

GeneDx
Classification: Uncertain significance. Last evaluated: 2020-05-18. Review status: criteria provided, single submitter. Criteria: GeneDx Variant Classification Process June 2021. Collection method: clinical testing. Allele origin: germline. Affected: yes.
Comment: In silico analysis supports that this missense variant has a deleterious effect on protein structure/function; Has not been previously published as pathogenic or benign to our knowledge

Juno Genomics, Hangzhou Juno Genomics, Inc
Classification: Uncertain significance for Mitochondrial complex I deficiency, nuclear type 26. Review status: criteria provided, single submitter. Criteria: ACMG Guidelines, 2015. Collection method: clinical testing. Allele origin: germline.
Comment: Absent from controls (or at extremely low frequency if recessive) in Genome Aggregation Database.;Multiple lines of computational evidence support a deleterious effect on the gene or gene product.

NM_005002.5(NDUFA9):c.223C>T (p.Arg75Cys)

Gene: NDUFA9 (NADH:ubiquinone oxidoreductase subunit A9; plus strand). Cytogenetic location: 12p13.32.
Variant type: single nucleotide variant.
Coding change: c.223C>T on transcript NM_005002.5 (MANE Select); coding-DNA position 223, C replaced by T.
Protein change: p.Arg75Cys; replaces arginine 75 with cysteine.
Molecular consequence: missense variant.
Genome position (GRCh38, 1-based): chr12:4,654,827, C>T. VCF-style: chr12-4654827-C-T. GRCh37 (hg19) VCF-style: chr12-4763993-C-T.
Other names: short protein forms R75C.
Identifiers: ClinVar variation 1201565 (VCV001201565.13), dbSNP rs767462328, ClinGen allele CA6398036.
Genomic context (GRCh38, chr12:4,654,827, plus strand): 5'-GTATAATATATCCACATTATGTTAATGTTGATCCTTTTTTCAATCCATTCTCTTTTAGGA[C>T]GCATGGGGTCACAGGTAATCATACCCTATCGGTGTGATAAATATGACATCATGCACCTTC-3'
Protein context (NP_004993.1, residues 65-85): LGRYVVNHLG[Arg75Cys]MGSQVIIPYR